The following is an entry in ClinVar:

NM_000088.4(COL1A1):c.589-3A>C

Gene: COL1A1 (collagen type I alpha 1 chain; minus strand). Cytogenetic location: 17q21.33.
Variant type: single nucleotide variant.
Coding change: c.589-3A>C on transcript NM_000088.4 (MANE Select); 3 bases into the intron before coding-DNA position 589, A replaced by C.
Molecular consequence: intron variant.
Genome position (GRCh38, 1-based): chr17:50,198,005, T>G on the plus strand (A>C on the coding strand, the complement: COL1A1 is on the minus strand). VCF-style: chr17-50198005-T-G. GRCh37 (hg19) VCF-style: chr17-48275366-T-G.
Identifiers: ClinVar variation 3711612 (VCV003711612.2).
Genomic context (GRCh38, chr17:50,198,005, plus strand): 5'-TTACTGAAGCTCCAGGCTCGCCAGGCTCACCAGGGGGACCTTGGAAGCCTTGGGGACCCT[T>G]GAGAAGAAGGAAAAAGATGGGTTAGAAGACAAGTCCCTGTCAACCTTCTCCAATCTTACC-3'

ClinVar aggregate classification (germline): Uncertain significance (1 of 4 stars; one submission).

Conditions:
Osteogenesis imperfecta type I (OI1). Also called: Lobstein's Disease; Lobstein disease; OI, TYPE I; OSTEOGENESIS IMPERFECTA TARDA; OSTEOGENESIS IMPERFECTA WITH BLUE SCLERAE; Osteogenesis imperfecta type 1. Identifiers: Orphanet 216796, Orphanet 666, MedGen C0023931, MONDO:0008146, OMIM 166200. Disease mechanism: loss of function.

Submission:

Labcorp Genetics (formerly Invitae), Labcorp
Classification: Uncertain significance for Osteogenesis imperfecta type I. Last evaluated: 2024-10-05. Review status: criteria provided, single submitter. Criteria: Invitae Variant Classification Sherloc (09022015). Collection method: clinical testing. Allele origin: germline.
Comment: This sequence change falls in intron 7 of the COL1A1 gene. It does not directly change the encoded amino acid sequence of the COL1A1 protein. It affects a nucleotide within the consensus splice site. This variant is not present in population databases (gnomAD no frequency). This variant has been observed in individual(s) with osteogenesis imperfecta (internal data). Variants that disrupt the consensus splice site are a relatively common cause of aberrant splicing (PMID: 17576681, 9536098). Algorithms developed to predict the effect of sequence changes on RNA splicing suggest that this variant is not likely to affect RNA splicing. In summary, the available evidence is currently insufficient to determine the role of this variant in disease. Therefore, it has been classified as a Variant of Uncertain Significance.

Literature cited by the submitters: PubMed 17576681; PubMed 9536098.